The following is an entry in ClinVar:

NM_003361.4(UMOD):c.707C>G (p.Pro236Arg)

Gene: UMOD (uromodulin; minus strand). Cytogenetic location: 16p12.3.
Variant type: single nucleotide variant.
Coding change: c.707C>G on transcript NM_003361.4 (MANE Select); coding-DNA position 707, C replaced by G.
Protein change: p.Pro236Arg; replaces proline 236 with arginine.
Molecular consequence: missense variant. On other transcripts: non-coding transcript variant (1).
Genome position (GRCh38, 1-based): chr16:20,348,594, G>C on the plus strand (C>G on the coding strand, the complement: UMOD is on the minus strand). VCF-style: chr16-20348594-G-C. GRCh37 (hg19) VCF-style: chr16-20359916-G-C.
Other names: c.707C>G (NM_003361.2); c.707C>G, p.Pro236Arg (NM_001008389.3, NM_001378232.1, NM_001378233.1 and 3 more transcripts); c.806C>G, p.Pro269Arg (NM_001278614.2); short protein forms P236R, P269R.
Identifiers: ClinVar variation 3255087 (VCV003255087.5), dbSNP rs1447458978.

ClinVar aggregate classification (germline): Pathogenic/Likely pathogenic. Review status: criteria provided, multiple submitters, no conflicts (2 of 4 stars). 5 submissions from 5 submitters: Pathogenic (4); Likely pathogenic (1). Last evaluated 2025-04-03.

Conditions:
Familial juvenile hyperuricemic nephropathy type 1 (ADTKD1). Also called: Glomerulocystic kidney disease with hyperuricemia and isosthenuria; Medullary cystic kidney disease 2; Autosomal Dominant Tubulointerstitial Kidney Disease – UMOD; UMOD-Associated Kidney Disease; Uromodulin-associated kidney disease. Identifiers: Orphanet 209886, Orphanet 34149, Orphanet 88950, MedGen C4551496, MONDO:0008073, OMIM 162000.
UMOD-related disorder. Also called: UMOD-related condition.

Submissions (5):

Labcorp Genetics (formerly Invitae), Labcorp
Classification: Pathogenic. Last evaluated: 2025-04-03. Review status: criteria provided, single submitter. Criteria: Invitae Variant Classification Sherloc (09022015). Collection method: clinical testing. Allele origin: germline.
Comment: This sequence change replaces proline, which is neutral and non-polar, with arginine, which is basic and polar, at codon 236 of the UMOD protein (p.Pro236Arg). This variant is not present in population databases (gnomAD no frequency). This missense change has been observed in individual(s) with UMOD-related conditions (PMID: 25671765). It has also been observed to segregate with disease in related individuals. ClinVar contains an entry for this variant (Variation ID: 3255087). Invitae Evidence Modeling of protein sequence and biophysical properties (such as structural, functional, and spatial information, amino acid conservation, physicochemical variation, residue mobility, and thermodynamic stability) indicates that this missense variant is expected to disrupt UMOD protein function with a positive predictive value of 80%. Experimental studies have shown that this missense change affects UMOD function (PMID: 17010121). This variant disrupts the p.Pro236 amino acid residue in UMOD. Other variant(s) that disrupt this residue have been determined to be pathogenic (PMID: 15086896). This suggests that this residue is clinically significant, and that variants that disrupt this residue are likely to be disease-causing. For these reasons, this variant has been classified as Pathogenic.

Genomic Medicine Center of Excellence, King Faisal Specialist Hospital and Research Centre
Classification: Pathogenic for Familial juvenile hyperuricemic nephropathy type 1. Last evaluated: 2024-12-17. Review status: criteria provided, single submitter. Criteria: ACMG Guidelines, 2015. Collection method: clinical testing. Allele origin: germline.

GeneDx
Classification: Likely pathogenic. Last evaluated: 2024-11-13. Review status: criteria provided, single submitter. Criteria: GeneDx Variant Classification Process June 2021. Collection method: clinical testing. Allele origin: germline. Affected: yes.
Comment: Not observed at significant frequency in large population cohorts (gnomAD); In silico analysis supports that this missense variant has a deleterious effect on protein structure/function; This variant is associated with the following publications: (PMID: 17010121, 32450155, 29100090, 30976393, 32954071, 35643372, 25671765)

Victorian Clinical Genetics Services, Murdoch Childrens Research Institute
Classification: Pathogenic for Familial juvenile hyperuricemic nephropathy type 1. Last evaluated: 2023-12-21. Review status: criteria provided, single submitter. Criteria: ACMG Guidelines, 2015. Collection method: clinical testing. Allele origin: germline. Inheritance: Autosomal dominant inheritance. Affected: yes.
Comment: Based on the classification scheme VCGS_Germline_v1.3.4, this variant is classified as Pathogenic. Following criteria are met: 0104 - Dominant negative is a known mechanism of disease in this gene and is associated with tubulointerstitial kidney disease, 1 (MIM#162000) (PMIDs: 20301530, 22117067). (I) 0107 - This gene is associated with autosomal dominant disease. (I) 0115 - Variants in this gene are known to have variable expressivity. Intrafamilial variability has been reported (PMID: 21868615). (I) 0200 - Variant is predicted to result in a missense amino acid change from proline to arginine. (I) 0251 - This variant is heterozygous. (I) 0301 - Variant is absent from gnomAD (both v2 and v3). (SP) 0309 - An alternative amino acid change at the same position has been observed in gnomAD (v2) (1 heterozygote, 0 homozygotes). (I) 0501 - Missense variant consistently predicted to be damaging by multiple in silico tools or highly conserved with a major amino acid change. (SP) 0604 - Variant is not located in an established domain, motif, hotspot or informative constraint region. (I) 0703 - Another missense variant comparable to the one identified in this case has moderate previous evidence for pathogenicity. p.(Pro236Leu) has been classified as pathogenic or likely pathogenic by clinical laboratories in ClinVar. (SP) 0802 - This variant has moderate previous evidence of pathogenicity in unrelated individuals. This variant has been observed in four unrelated individuals with renal insufficiency and hyperuricaemia (PMIDs: 30976393, 25671765, 29100090, 17010121). (SP) 0901 - This variant has strong evidence for segregation with disease. This variant segregated with disease in ten affected members of a large family with renal insufficiency and hyperuricaemia (PMID: 25671765). (SP) 1208 - Inheritance information for this variant is not currently available in this individual. (I) Legend: (SP) - Supporting pathogenic, (I) - Information, (SB) - Supporting benign

Blueprint Genetics
Classification: Pathogenic for UMOD-related disorders. Last evaluated: 2021-04-16. Review status: criteria provided, single submitter. Criteria: ACMG Guidelines, 2015. Collection method: clinical testing. Allele origin: germline. Affected: yes. Observed: 2 variant alleles.

Literature cited by the submitters: PubMed 25671765 (cited by Labcorp Genetics (formerly Invitae), Labcorp and Victorian Clinical Genetics Services, Murdoch Childrens Research Institute); PubMed 17010121 (cited by Labcorp Genetics (formerly Invitae), Labcorp and Victorian Clinical Genetics Services, Murdoch Childrens Research Institute); PubMed 15086896 (cited by Labcorp Genetics (formerly Invitae), Labcorp); PubMed 20301530 (cited by Victorian Clinical Genetics Services, Murdoch Childrens Research Institute); PubMed 21868615 (cited by Victorian Clinical Genetics Services, Murdoch Childrens Research Institute); PubMed 22117067 (cited by Victorian Clinical Genetics Services, Murdoch Childrens Research Institute); PubMed 29100090 (cited by Victorian Clinical Genetics Services, Murdoch Childrens Research Institute); PubMed 30976393 (cited by Victorian Clinical Genetics Services, Murdoch Childrens Research Institute).